The following is an entry in ClinVar:

ClinVar aggregate classification (germline): Likely benign. Review status: criteria provided, multiple submitters, no conflicts (2 of 4 stars). 2 submissions from 2 submitters: Likely benign (2). Last evaluated 2026-01-06.

Conditions:
Congenital contractural arachnodactyly (CCA). Also called: BEALS SYNDROME; Arthrogryposis, distal, type 9; Beals-Hecht syndrome. Identifiers: Orphanet 115, MedGen C0220668, MONDO:0007363, OMIM 121050.

Allele frequency attached by ClinVar (database versions not stated): ExAC 0.00002; TOPMed 0.00002; gnomAD exomes 0.00003; gnomAD 0.00010.
gnomAD v4.1: 101 of 1,613,374 alleles (0.0063%); highest among the groups gnomAD compares: Non-Finnish European, 0.0081%; no homozygotes.

Submissions (2):

Labcorp Genetics (formerly Invitae), Labcorp
Classification: Likely benign for Congenital contractural arachnodactyly. Last evaluated: 2026-01-06. Review status: criteria provided, single submitter. Criteria: Invitae Variant Classification Sherloc (09022015). Collection method: clinical testing. Allele origin: germline.

GeneDx
Classification: Likely benign. Last evaluated: 2017-05-01. Review status: criteria provided, single submitter. Criteria: GeneDx Variant Classification (06012015). Collection method: clinical testing. Allele origin: germline. Affected: yes.
Comment: This variant is considered likely benign or benign based on one or more of the following criteria: it is a conservative change, it occurs at a poorly conserved position in the protein, it is predicted to be benign by multiple in silico algorithms, and/or has population frequency not consistent with disease.

NM_001999.4(FBN2):c.3472+17C>A

Gene: FBN2 (fibrillin 2; minus strand). Cytogenetic location: 5q23.3.
Variant type: single nucleotide variant.
Coding change: c.3472+17C>A on transcript NM_001999.4 (MANE Select); 17 bases into the intron after coding-DNA position 3472, C replaced by A.
Molecular consequence: intron variant.
Genome position (GRCh38, 1-based): chr5:128,338,916, G>T on the plus strand (C>A on the coding strand, the complement: FBN2 is on the minus strand). VCF-style: chr5-128338916-G-T. GRCh37 (hg19) VCF-style: chr5-127674608-G-T.
Identifiers: ClinVar variation 509338 (VCV000509338.6), dbSNP rs747730357, ClinGen allele CA3395234.